The following is an entry in ClinVar:

NM_003632.3(CNTNAP1):c.3930C>T (p.Arg1310=)

Gene: CNTNAP1 (contactin associated protein 1; plus strand). Cytogenetic location: 17q21.2.
Variant type: single nucleotide variant.
Coding change: c.3930C>T on transcript NM_003632.3 (MANE Select); coding-DNA position 3930, C replaced by T.
Protein change: p.Arg1310=; no amino-acid change (arginine 1310 retained).
Molecular consequence: synonymous variant.
Genome position (GRCh38, 1-based): chr17:42,698,685, C>T. VCF-style: chr17-42698685-C-T. GRCh37 (hg19) VCF-style: chr17-40850703-C-T.
Identifiers: ClinVar variation 2647802 (VCV002647802.24), dbSNP rs754162545, ClinGen allele CA8582499.

ClinVar aggregate classification (germline): Likely benign (1 of 4 stars; one submission).

Allele frequency attached by ClinVar (database versions not stated): gnomAD 0.00001; gnomAD exomes 0.00001; TOPMed 0.00001; ExAC 0.00002.
gnomAD v4.1: 7 of 1,613,064 alleles (0.00043%); highest among the groups gnomAD compares: Non-Finnish European, 0.00059%; no homozygotes.

Submission:

CeGaT Center for Human Genetics Tuebingen
Classification: Likely benign. Last evaluated: 2022-05-01. Review status: criteria provided, single submitter. Criteria: CeGaT Center For Human Genetics Tuebingen Variant Classification Criteria Version 2. Collection method: clinical testing. Allele origin: germline. Affected: yes. Observed: 1 variant allele.
Comment: CNTNAP1: BP4, BP7